The following is an entry in ClinVar:

NM_206933.4(USH2A):c.4492C>T (p.Pro1498Ser)

Gene: USH2A (usherin; minus strand). Cytogenetic location: 1q41.
Variant type: single nucleotide variant.
Coding change: c.4492C>T on transcript NM_206933.4 (MANE Select); coding-DNA position 4492, C replaced by T.
Protein change: p.Pro1498Ser; replaces proline 1498 with serine.
Molecular consequence: missense variant.
Genome position (GRCh38, 1-based): chr1:216,175,387, G>A on the plus strand (C>T on the coding strand, the complement: USH2A is on the minus strand). VCF-style: chr1-216175387-G-A. GRCh37 (hg19) VCF-style: chr1-216348729-G-A.
Other names: c.4492C>T, p.Pro1498Ser (NM_007123.6); short protein forms P1498S.
Identifiers: ClinVar variation 1512165 (VCV001512165.6), dbSNP rs2102641149, ClinGen allele CA344863781.
Genomic context (GRCh38, chr1:216,175,387, plus strand): 5'-TCATCATCGTGGTCATCAGAGCTGGTAGAGATGACTCTCTCCTTTCCAGCTGATATATAG[G>A]AGAGGGTCCATTCAGTTCTTCAGGTGGAAACCACCTAAGATGGATTGTTGTGCTGTTGAT-3'
Protein context (NP_996816.3, residues 1488-1508): FPPEELNGPS[Pro1498Ser]IYQLERRESS

ClinVar aggregate classification (germline): Uncertain significance (1 of 4 stars; one submission).

Submission:

Labcorp Genetics (formerly Invitae), Labcorp
Classification: Uncertain significance. Last evaluated: 2021-08-12. Review status: criteria provided, single submitter. Criteria: Invitae Variant Classification Sherloc (09022015). Collection method: clinical testing. Allele origin: germline.
Comment: This sequence change replaces proline with serine at codon 1498 of the USH2A protein (p.Pro1498Ser). The proline residue is highly conserved and there is a moderate physicochemical difference between proline and serine. This variant is not present in population databases (ExAC no frequency). This variant has not been reported in the literature in individuals affected with USH2A-related conditions. Algorithms developed to predict the effect of missense changes on protein structure and function are either unavailable or do not agree on the potential impact of this missense change (SIFT: "Deleterious"; PolyPhen-2: "Probably Damaging"; Align-GVGD: "Class C0"). In summary, the available evidence is currently insufficient to determine the role of this variant in disease. Therefore, it has been classified as a Variant of Uncertain Significance.